The following is an entry in ClinVar:

ClinVar aggregate classification (germline): Likely benign. Review status: criteria provided, multiple submitters, no conflicts (2 of 4 stars). 3 submissions from 3 submitters: Likely benign (3). Last evaluated 2025-02-10.

Conditions:
RYR1-related disorder. Also called: RYR1-related condition; RYR1-related disorders. Identifiers: MedGen CN239331.
Malignant hyperthermia, susceptibility to, 1 (MHS1). Also called: Anesthesia related hyperthermia; Malignant hyperpyrexia; Fulminating hyperpyrexia; Pharmacogenic myopathy; RYR1-Related Malignant Hyperthermia Susceptibility; Malignant hyperthermia suceptibility 1. Identifiers: Orphanet 423, MedGen C2930980, MONDO:0007783, OMIM 145600.

Allele frequency attached by ClinVar (database versions not stated): gnomAD exomes below 0.00001; TOPMed below 0.00001; gnomAD 0.00001.
gnomAD v4.1: 9 of 1,613,266 alleles (0.00056%); highest among the groups gnomAD compares: Non-Finnish European, 0.00068%; no homozygotes.

Submissions (3):

Labcorp Genetics (formerly Invitae), Labcorp
Classification: Likely benign for RYR1-related disorder. Last evaluated: 2025-02-10. Review status: criteria provided, single submitter. Criteria: Invitae Variant Classification Sherloc (09022015). Collection method: clinical testing. Allele origin: germline.

All of Us Research Program, National Institutes of Health
Classification: Likely benign for Malignant hyperthermia, susceptibility to, 1. Last evaluated: 2023-11-02. Review status: criteria provided, single submitter. Criteria: ACMG Guidelines, 2015. Collection method: clinical testing. Allele origin: germline. Inheritance: Autosomal dominant inheritance. Observed: 1 variant allele, 1 heterozygote.
Comment: This study involves interpretation of variants in research participants for the purpose of population health screening. Participant phenotype was not available at the time of variant classification. Additional details can be found in publication PMID: 35346344, PMCID: PMC8962531

Color Diagnostics, LLC DBA Color Health
Classification: Likely benign for Malignant hyperthermia, susceptibility to, 1. Last evaluated: 2023-10-25. Review status: criteria provided, single submitter. Criteria: ACMG Guidelines, 2015. Collection method: clinical testing. Allele origin: germline.

NM_000540.3(RYR1):c.642G>A (p.Thr214=)

Gene: RYR1 (ryanodine receptor 1; plus strand). Cytogenetic location: 19q13.2.
Variant type: single nucleotide variant.
Coding change: c.642G>A on transcript NM_000540.3 (MANE Select); coding-DNA position 642, G replaced by A.
Protein change: p.Thr214=; no amino-acid change (threonine 214 retained).
Molecular consequence: synonymous variant.
Genome position (GRCh38, 1-based): chr19:38,446,482, G>A. VCF-style: chr19-38446482-G-A. GRCh37 (hg19) VCF-style: chr19-38937122-G-A.
Other names: c.642G>A, p.Thr214= (NM_001042723.2).
Identifiers: ClinVar variation 2418112 (VCV002418112.8), dbSNP rs1326637008, ClinGen allele CA507241429.
Genomic context (GRCh38, chr19:38,446,482, plus strand): 5'-TTCCTGGGGCTCCAGCCTCCCATTGACCAACTTCCCTTGCTCCTCTCCAGGCTTCGTGAC[G>A]GGAGGTCACGTCCTCCGCCTCTTTCATGGACATATGGATGAGTGTCTGACCATTTCCCCT-3'
Protein context (NP_000531.2, residues 204-224): ICSRCEEGFV[Thr214=]GGHVLRLFHG